The following is an entry in ClinVar:

ClinVar aggregate classification (germline): Uncertain significance (1 of 4 stars; one submission).

Conditions:
Familial thoracic aortic aneurysm and aortic dissection (TAAD). Also called: Thoracic aortic aneurysms and dissections. Identifiers: Orphanet 91387, MedGen C4707243, MONDO:0019625.

Submission:

Ambry Genetics
Classification: Uncertain significance for Familial thoracic aortic aneurysm and aortic dissection. Last evaluated: 2023-02-17. Review status: criteria provided, single submitter. Criteria: Ambry Variant Classification Scheme 2023. Collection method: clinical testing. Allele origin: germline.
Comment: The p.N903T variant (also known as c.2708A>C), located in coding exon 17 of the NOTCH1 gene, results from an A to C substitution at nucleotide position 2708. The asparagine at codon 903 is replaced by threonine, an amino acid with similar properties. This amino acid position is conserved. In addition, this alteration is predicted to be tolerated by in silico analysis. Since supporting evidence is limited at this time, the clinical significance of this alteration remains unclear.

NM_017617.5(NOTCH1):c.2708A>C (p.Asn903Thr)

Gene: NOTCH1 (notch receptor 1; minus strand). Cytogenetic location: 9q34.3.
Variant type: single nucleotide variant.
Coding change: c.2708A>C on transcript NM_017617.5 (MANE Select); coding-DNA position 2708, A replaced by C.
Protein change: p.Asn903Thr; replaces asparagine 903 with threonine.
Molecular consequence: missense variant.
Genome position (GRCh38, 1-based): chr9:136,510,685, T>G on the plus strand (A>C on the coding strand, the complement: NOTCH1 is on the minus strand). VCF-style: chr9-136510685-T-G. GRCh37 (hg19) VCF-style: chr9-139405137-T-G.
Other names: short protein forms N903T.
Identifiers: ClinVar variation 2452195 (VCV002452195.2), dbSNP rs1843166046, ClinGen allele CA375554817.